The following is an entry in ClinVar:

NM_000059.4(BRCA2):c.8754G>C (p.Glu2918Asp)

Gene: BRCA2 (BRCA2 DNA repair associated; plus strand). Cytogenetic location: 13q13.1.
Variant type: single nucleotide variant.
Coding change: c.8754G>C on transcript NM_000059.4 (MANE Select); coding-DNA position 8754, G replaced by C.
Protein change: p.Glu2918Asp; replaces glutamic acid 2918 with aspartic acid.
Molecular consequence: missense variant. On other transcripts: non-coding transcript variant (1).
Genome position (GRCh38, 1-based): chr13:32,376,791, G>C. VCF-style: chr13-32376791-G-C. GRCh37 (hg19) VCF-style: chr13-32950928-G-C.
Other names: c.8658G>C, p.Glu2886Asp (NM_001406719.1); c.8754G>C, p.Glu2918Asp (NM_001406720.1, NM_001432077.1); c.3822G>C, p.Glu1274Asp (NM_001406721.1); c.2337G>C, p.Glu779Asp (NM_001406722.1); short protein forms E1274D, E2886D, E2918D, E779D.
Identifiers: ClinVar variation 4071408 (VCV004071408.1).

ClinVar aggregate classification (germline): Likely pathogenic (1 of 4 stars; one submission).

Conditions:
Breast-ovarian cancer, familial, susceptibility to, 2 (BROVCA2). Also called: BRCA2 Hereditary Breast and Ovarian Cancer. Identifiers: Orphanet 145, MedGen C2675520, MONDO:0012933, OMIM 612555. Disease mechanism: loss of function.

Submission:

Myriad Genetics, Inc.
Classification: Likely pathogenic for Breast-ovarian cancer, familial, susceptibility to, 2. Last evaluated: 2025-06-12. Review status: criteria provided, single submitter. Criteria: Myriad Autosomal Dominant, Autosomal Recessive and X-Linked Classification Criteria (2023). Collection method: clinical testing. Allele origin: unknown.
Comment: This variant is considered likely pathogenic. mRNA analysis has demonstrated abnormal mRNA splicing occurs [Myriad internal data].